The following is an entry in ClinVar:

ClinVar aggregate classification (germline): Uncertain significance (1 of 4 stars; one submission).

Conditions:
Hereditary cancer-predisposing syndrome. Also called: Tumor predisposition; Neoplastic Syndromes, Hereditary; Hereditary neoplastic syndrome; Hereditary Cancer Syndrome. Identifiers: Orphanet 140162, MedGen C0027672, MeSH D009386, MONDO:0015356.

Submission:

Ambry Genetics
Classification: Uncertain significance for Hereditary cancer-predisposing syndrome. Last evaluated: 2024-10-11. Review status: criteria provided, single submitter. Criteria: Ambry Variant Classification Scheme 2023. Collection method: clinical testing. Allele origin: germline.
Comment: The p.P669A variant (also known as c.2005C>G), located in coding exon 18 of the TSC2 gene, results from a C to G substitution at nucleotide position 2005. The proline at codon 669 is replaced by alanine, an amino acid with highly similar properties. This amino acid position is conserved. In addition, the in silico prediction for this alteration is inconclusive. Based on the available evidence, the clinical significance of this variant remains unclear.

NM_000548.5(TSC2):c.2005C>G (p.Pro669Ala)

Gene: TSC2 (TSC complex subunit 2; plus strand). Cytogenetic location: 16p13.3.
Variant type: single nucleotide variant.
Coding change: c.2005C>G on transcript NM_000548.5 (MANE Select); coding-DNA position 2005, C replaced by G.
Protein change: p.Pro669Ala; replaces proline 669 with alanine.
Molecular consequence: missense variant. On other transcripts: non-coding transcript variant (5).
Genome position (GRCh38, 1-based): chr16:2,071,842, C>G. VCF-style: chr16-2071842-C-G. GRCh37 (hg19) VCF-style: chr16-2121843-C-G.
Other names: c.2005C>G, p.Pro669Ala (NM_001114382.3, NM_001363528.2, NM_001077183.3 and 6 more transcripts); c.1894C>G, p.Pro632Ala (NM_001318827.2, NM_001406670.1, NM_001406678.1); c.1858C>G, p.Pro620Ala (NM_001318829.2, NM_001406675.1, NM_001406676.1 and 1 more transcripts); c.2038C>G, p.Pro680Ala (NM_001318832.2); c.1405C>G, p.Pro469Ala (NM_001318831.2, NM_001406680.1, NM_001406682.1 and 6 more transcripts); c.2095C>G, p.Pro699Ala (NM_001406667.1, NM_001406668.1); c.1993C>G, p.Pro665Ala (NM_001406671.1, NM_001406673.1); c.1948C>G, p.Pro650Ala (NM_001406677.1); and 3 more; short protein forms P135A, P665A, P221A, P469A, P515A, P680A, P669A, P699A.
Identifiers: ClinVar variation 3462641 (VCV003462641.1).
Genomic context (GRCh38, chr16:2,071,842, plus strand): 5'-AGGGAGCCAGAGAGAGGCTCTGAGAAGAAGACCAGCGGCCCCCTTTCTCCTCCCACAGGG[C>G]CTCCTGGCCCGGCGCCTGCAGGCCCCGCCGTGCGGCTGGGGTCCGTGCCCTACTCCCTGC-3'
Protein context (NP_000539.2, residues 659-679): TSGPLSPPTG[Pro669Ala]PGPAPAGPAV